The following is an entry in ClinVar:

ClinVar aggregate classification (germline): Uncertain significance (1 of 4 stars; one submission).

Conditions:
Combined immunodeficiency due to CD3gamma deficiency. Also called: Immunodeficiency 17; Immunodeficiency 17, CD3 gamma deficient; CD3-GAMMA DEFICIENCY; SCID-LIKE IMMUNODEFICIENCY, T CELL-PARTIAL, B CELL-POSITIVE, NK CELL-POSITIVE. Identifiers: Orphanet 169082, MedGen C3810107, MONDO:0014276, OMIM 615607.

Allele frequency attached by ClinVar (database versions not stated): gnomAD exomes below 0.00001.
gnomAD v4.1: 1 of 1,614,106 alleles (0.000062%); highest among the groups gnomAD compares: Admixed American, 0.0017%; no homozygotes.

Submission:

Labcorp Genetics (formerly Invitae), Labcorp
Classification: Uncertain significance for Combined immunodeficiency due to CD3gamma deficiency. Last evaluated: 2024-10-16. Review status: criteria provided, single submitter. Criteria: Invitae Variant Classification Sherloc (09022015). Collection method: clinical testing. Allele origin: germline.
Comment: This sequence change replaces glutamic acid, which is acidic and polar, with lysine, which is basic and polar, at codon 122 of the CD3G protein (p.Glu122Lys). This variant is present in population databases (no rsID available, gnomAD 0.003%). This variant has not been reported in the literature in individuals affected with CD3G-related conditions. ClinVar contains an entry for this variant (Variation ID: 2172334). An algorithm developed to predict the effect of missense changes on protein structure and function (PolyPhen-2) suggests that this variant is likely to be disruptive. In summary, the available evidence is currently insufficient to determine the role of this variant in disease. Therefore, it has been classified as a Variant of Uncertain Significance.

NM_000073.3(CD3G):c.364G>A (p.Glu122Lys)

Genes: CD3G (CD3 gamma subunit of T-cell receptor complex; plus strand), LOC126861358 (BRD4-independent group 4 enhancer GRCh37_chr11:118220212-118221411; plus strand). Cytogenetic location: 11q23.3.
Variant type: single nucleotide variant.
Coding change: c.364G>A on transcript NM_000073.3 (MANE Select); coding-DNA position 364, G replaced by A.
Protein change: p.Glu122Lys; replaces glutamic acid 122 with lysine.
Molecular consequence: missense variant.
Genome position (GRCh38, 1-based): chr11:118,350,608, G>A. VCF-style: chr11-118350608-G-A. GRCh37 (hg19) VCF-style: chr11-118221323-G-A.
Other names: short protein forms E122K.
Identifiers: ClinVar variation 2172334 (VCV002172334.4), dbSNP rs1286881191, ClinGen allele CA382793867.